The following is an entry in ClinVar:

NM_000548.5(TSC2):c.4691A>C (p.Asn1564Thr)

Gene: TSC2 (TSC complex subunit 2; plus strand). Cytogenetic location: 16p13.3.
Variant type: single nucleotide variant.
Coding change: c.4691A>C on transcript NM_000548.5 (MANE Select); coding-DNA position 4691, A replaced by C.
Protein change: p.Asn1564Thr; replaces asparagine 1564 with threonine.
Molecular consequence: missense variant. On other transcripts: non-coding transcript variant (5).
Genome position (GRCh38, 1-based): chr16:2,086,221, A>C. VCF-style: chr16-2086221-A-C. GRCh37 (hg19) VCF-style: chr16-2136222-A-C.
Other names: c.4022A>C, p.Asn1341Thr (NM_001406683.1, NM_001406682.1); c.3893A>C, p.Asn1298Thr (NM_001406686.1, NM_001406685.1); c.4019A>C, p.Asn1340Thr (NM_001406684.1); c.3149A>C, p.Asn1050Thr (NM_001406693.1, NM_001406694.1, NM_001406692.1); c.3146A>C, p.Asn1049Thr (NM_001406695.1, NM_001406696.1, NM_001406697.1); c.2888A>C, p.Asn963Thr (NM_001406698.1); c.4562A>C, p.Asn1521Thr (NM_021055.3, NM_001370405.1); c.4490A>C, p.Asn1497Thr (NM_001077183.3); and 26 more; short protein forms N1320T, N1340T, N1461T, N1478T, N1497T, N1521T, N1540T, N963T.
Identifiers: ClinVar variation 2564703 (VCV002564703.2), dbSNP rs876659806, ClinGen allele CA394307144.
Genomic context (GRCh38, chr16:2,086,221, plus strand): 5'-GATGCCACCCTGCCTCTCCCCTCTCCCCACAGAGCAACAGCGAGCTCGCCATCCTGTCCA[A>C]TGAGCATGGCTCCTACAGGTACACGGAGTTCCTGACGGGCCTGGGCCGGCTCATCGAGCT-3'
Protein context (NP_000539.2, residues 1554-1574): QSNSELAILS[Asn1564Thr]EHGSYRYTEF

ClinVar aggregate classification (germline): Uncertain significance (1 of 4 stars; one submission).

Conditions:
Hereditary cancer-predisposing syndrome. Also called: Neoplastic Syndromes, Hereditary; Hereditary Cancer Syndrome; Hereditary neoplastic syndrome; Tumor predisposition. Identifiers: Orphanet 140162, MedGen C0027672, MeSH D009386, MONDO:0015356.

gnomAD v4.1: 1 of 1,612,590 alleles (0.000062%); highest among the groups gnomAD compares: Non-Finnish European, 0.000085%; no homozygotes.

Submission:

Ambry Genetics
Classification: Uncertain significance for Hereditary cancer-predisposing syndrome. Last evaluated: 2023-04-18. Review status: criteria provided, single submitter. Criteria: Ambry Variant Classification Scheme 2023. Collection method: clinical testing. Allele origin: germline.
Comment: The p.N1564T variant (also known as c.4691A>C), located in coding exon 36 of the TSC2 gene, results from an A to C substitution at nucleotide position 4691. The asparagine at codon 1564 is replaced by threonine, an amino acid with similar properties. This amino acid position is conserved. In addition, this alteration is predicted to be deleterious by in silico analysis. Since supporting evidence is limited at this time, the clinical significance of this alteration remains unclear.